The following is an entry in ClinVar:

NM_006282.5(STK4):c.311A>C (p.Tyr104Ser)

Gene: STK4 (serine/threonine kinase 4; plus strand). Cytogenetic location: 20q13.12.
Variant type: single nucleotide variant.
Coding change: c.311A>C on transcript NM_006282.5 (MANE Select); coding-DNA position 311, A replaced by C.
Protein change: p.Tyr104Ser; replaces tyrosine 104 with serine.
Molecular consequence: missense variant.
Genome position (GRCh38, 1-based): chr20:44,981,894, A>C. VCF-style: chr20-44981894-A-C. GRCh37 (hg19) VCF-style: chr20-43610535-A-C.
Other names: c.311A>C, p.Tyr104Ser (NM_001352385.2); short protein forms Y104S.
Identifiers: ClinVar variation 4723550 (VCV004723550.1).
Genomic context (GRCh38, chr20:44,981,894, plus strand): 5'-ATGTAGTCAAATATTATGGCAGTTATTTTAAGAACACAGACTTATGGATCGTTATGGAGT[A>C]CTGTGGGGCTGGTTCTGTATCTGATATCATTCGATTACGAAATAAAACGGTAGGTTTACC-3'
Protein context (NP_006273.1, residues 94-114): KNTDLWIVME[Tyr104Ser]CGAGSVSDII

ClinVar aggregate classification (germline): Uncertain significance (1 of 4 stars; one submission).

Conditions:
Combined immunodeficiency due to STK4 deficiency (IMD110). Also called: STK4 DEFICIENCY; MST1 DEFICIENCY; T-cell immunodeficiency, recurrent infections, and autoimmunity with or without cardiac malformations. Identifiers: Orphanet 314689, MedGen C3553943, MONDO:0013934, OMIM 614868.

Submission:

Labcorp Genetics (formerly Invitae), Labcorp
Classification: Uncertain significance for Combined immunodeficiency due to STK4 deficiency. Last evaluated: 2025-08-02. Review status: criteria provided, single submitter. Criteria: Invitae Variant Classification Sherloc (09022015). Collection method: clinical testing. Allele origin: germline.
Comment: This sequence change replaces tyrosine, which is neutral and polar, with serine, which is neutral and polar, at codon 104 of the STK4 protein (p.Tyr104Ser). This variant is not present in population databases (gnomAD no frequency). This variant has not been reported in the literature in individuals affected with STK4-related conditions. An algorithm developed to predict the effect of missense changes on protein structure and function (PolyPhen-2) suggests that this variant is likely to be disruptive. In summary, the available evidence is currently insufficient to determine the role of this variant in disease. Therefore, it has been classified as a Variant of Uncertain Significance.